The following is an entry in ClinVar:

NM_001908.5(CTSB):c.700A>C (p.Asn234His)

Gene: CTSB (cathepsin B). Cytogenetic location: 8p23.1.
Variant type: single nucleotide variant.
Coding change: c.700A>C on transcript NM_001908.5 (MANE Select); coding-DNA position 700, A replaced by C.
Protein change: p.Asn234His; replaces asparagine 234 with histidine.
Molecular consequence: missense variant.
Genome position (GRCh38, 1-based): chr8:11,847,145, T>G on the plus strand (A>C on the coding strand, the complement: CTSB is on the minus strand). VCF-style: chr8-11847145-T-G. GRCh37 (hg19) VCF-style: chr8-11704654-T-G.
Other names: c.328A>C, p.Asn110His (NM_001317237.2); c.700A>C, p.Asn234His (NM_001384714.1, NM_001384723.1, NM_001384724.1 and 8 more transcripts); short protein forms N234H, N110H.
Identifiers: ClinVar variation 1463653 (VCV001463653.8), dbSNP rs771913643, ClinGen allele CA4632588.

ClinVar aggregate classification (germline): Uncertain significance (1 of 4 stars; one submission).

Allele frequency attached by ClinVar (database versions not stated): gnomAD 0.00001; gnomAD exomes 0.00001; ExAC 0.00002; TOPMed 0.00002.

Submission:

Labcorp Genetics (formerly Invitae), Labcorp
Classification: Uncertain significance. Last evaluated: 2022-06-13. Review status: criteria provided, single submitter. Criteria: Invitae Variant Classification Sherloc (09022015). Collection method: clinical testing. Allele origin: germline.
Comment: This sequence change replaces asparagine, which is neutral and polar, with histidine, which is basic and polar, at codon 234 of the CTSB protein (p.Asn234His). This variant is present in population databases (rs771913643, gnomAD 0.02%). This variant has not been reported in the literature in individuals affected with CTSB-related conditions. Algorithms developed to predict the effect of missense changes on protein structure and function are either unavailable or do not agree on the potential impact of this missense change (SIFT: "Not Available"; PolyPhen-2: "Benign"; Align-GVGD: "Not Available"). In summary, the available evidence is currently insufficient to determine the role of this variant in disease. Therefore, it has been classified as a Variant of Uncertain Significance.